The following is an entry in ClinVar:

ClinVar aggregate classification (germline): Uncertain significance. Review status: criteria provided, multiple submitters, no conflicts (2 of 4 stars). 6 submissions from 6 submitters: Uncertain significance (6). Last evaluated 2026-01-21.

Conditions:
Gastrointestinal stromal tumor. Also called: Gastrointestinal stroma tumor; Gastrointestinal stromal tumor, somatic. Identifiers: Orphanet 44890, MedGen C0238198, MeSH D046152, MONDO:0011719, OMIM 606764, HP:0100723.
Mastocytosis. Also called: Mast Cell Disease. Identifiers: Orphanet 98292, MedGen C0024899, MONDO:0007950, HP:0100495.
Hereditary cancer-predisposing syndrome. Also called: Tumor predisposition; Neoplastic Syndromes, Hereditary; Hereditary neoplastic syndrome; Hereditary Cancer Syndrome. Identifiers: Orphanet 140162, MedGen C0027672, MeSH D009386, MONDO:0015356.

Allele frequency attached by ClinVar (database versions not stated): ExAC 0.00001; gnomAD 0.00001; gnomAD exomes 0.00001 and 0.00002; TOPMed 0.00001.
gnomAD v4.1: 18 of 1,614,066 alleles (0.0011%); highest among the groups gnomAD compares: Non-Finnish European, 0.0015%; no homozygotes.

Submissions (6):

Labcorp Genetics (formerly Invitae), Labcorp
Classification: Uncertain significance for Gastrointestinal stromal tumor. Last evaluated: 2026-01-21. Review status: criteria provided, single submitter. Criteria: Invitae Variant Classification Sherloc (09022015). Collection method: clinical testing. Allele origin: germline.
Comment: This sequence change replaces isoleucine, which is neutral and non-polar, with threonine, which is neutral and polar, at codon 539 of the KIT protein (p.Ile539Thr). This variant is present in population databases (rs781371383, gnomAD 0.0009%). This variant has not been reported in the literature in individuals affected with KIT-related conditions. ClinVar contains an entry for this variant (Variation ID: 409729). An algorithm developed to predict the effect of missense changes on protein structure and function (PolyPhen-2) suggests that this variant is likely to be tolerated. In summary, the available evidence is currently insufficient to determine the role of this variant in disease. Therefore, it has been classified as a Variant of Uncertain Significance.

Dasa
Classification: Uncertain significance. Last evaluated: 2025-05-06. Review status: criteria provided, single submitter. Criteria: DASA Assertion Criteria. Collection method: clinical testing. Allele origin: germline.
Comment: NM_000222.3(KIT):c.1616T>C (p.Ile539Thr) is a missense variant that results in the substitution of isoleucine with threonine. This variant is rare in population databases. Computational prediction algorithms are consistent with a benign effect. The currently available literature and clinical evidence are not sufficient to establish a definitive association between this variant and the reported condition. Therefore, this variant is classified as a variant of uncertain significance.

GeneDx
Classification: Uncertain significance. Last evaluated: 2024-03-18. Review status: criteria provided, single submitter. Criteria: GeneDx Variant Classification Process June 2021. Collection method: clinical testing. Allele origin: germline.
Comment: Not observed at significant frequency in large population cohorts (gnomAD); In silico analysis supports that this missense variant does not alter protein structure/function; Has not been previously published as pathogenic or benign to our knowledge

Baylor Genetics
Classification: Uncertain significance for Gastrointestinal stromal tumor. Last evaluated: 2024-03-13. Review status: criteria provided, single submitter. Criteria: ACMG Guidelines, 2015. Collection method: clinical testing. Allele origin: unknown.

Ambry Genetics
Classification: Uncertain significance for Hereditary cancer-predisposing syndrome. Last evaluated: 2023-09-15. Review status: criteria provided, single submitter. Criteria: Ambry Variant Classification Scheme 2023. Collection method: clinical testing. Allele origin: germline.
Comment: The p.I539T variant (also known as c.1616T>C), located in coding exon 10 of the KIT gene, results from a T to C substitution at nucleotide position 1616. The isoleucine at codon 539 is replaced by threonine, an amino acid with similar properties. This amino acid position is conserved. In addition, this alteration is predicted to be tolerated by in silico analysis. Since supporting evidence is limited at this time, the clinical significance of this alteration remains unclear.

Mayo Clinic Laboratories, Mayo Clinic
Classification: Uncertain significance for Cutaneous mastocytosis. Last evaluated: 2017-01-10. Review status: criteria provided, single submitter. Criteria: ACMG Guidelines, 2015. Collection method: clinical testing. Allele origin: maternal.

NM_000222.3(KIT):c.1616T>C (p.Ile539Thr)

Gene: KIT (KIT proto-oncogene, receptor tyrosine kinase; plus strand). Cytogenetic location: 4q12.
Variant type: single nucleotide variant.
Coding change: c.1616T>C on transcript NM_000222.3 (MANE Select); coding-DNA position 1616, T replaced by C.
Protein change: p.Ile539Thr; replaces isoleucine 539 with threonine.
Molecular consequence: missense variant.
Genome position (GRCh38, 1-based): chr4:54,727,293, T>C. VCF-style: chr4-54727293-T-C. GRCh37 (hg19) VCF-style: chr4-55593459-T-C.
Other names: c.1604T>C, p.Ile535Thr (NM_001093772.2, NM_001385286.1); c.1619T>C, p.Ile540Thr (NM_001385284.1, NM_001385290.1); c.1616T>C, p.Ile539Thr (NM_001385285.1); c.1607T>C, p.Ile536Thr (NM_001385288.1, NM_001385292.1); short protein forms I539T, I535T, I536T, I540T.
Identifiers: ClinVar variation 409729 (VCV000409729.28), dbSNP rs781371383, ClinGen allele CA2923534.
Genomic context (GRCh38, chr4:54,727,293, plus strand): 5'-ACACCCTGTTCACTCCTTTGCTGATTGGTTTCGTAATCGTAGCTGGCATGATGTGCATTA[T>C]TGTGATGATTCTGACCTACAAATATTTACAGGTAACCATTTATTTGTTCTCTCTCCAGAG-3'
Protein context (NP_000213.1, residues 529-549): FVIVAGMMCI[Ile539Thr]VMILTYKYLQ